The following is an entry in ClinVar:

ClinVar aggregate classification (germline): Uncertain significance. Review status: criteria provided, multiple submitters, no conflicts (2 of 4 stars). 2 submissions from 2 submitters: Uncertain significance (2). Last evaluated 2026-07-16.

Conditions:
Hereditary cancer-predisposing syndrome. Also called: Hereditary neoplastic syndrome; Neoplastic Syndromes, Hereditary; Tumor predisposition; Hereditary Cancer Syndrome. Identifiers: Orphanet 140162, MedGen C0027672, MeSH D009386, MONDO:0015356.
Lymphangiomyomatosis (LAM). Also called: Lymphangioleiomyomatosis, somatic; Lymphangioleiomyomatosis. Identifiers: Orphanet 538, MedGen C0751674, MONDO:0011705, OMIM 606690.
Isolated focal cortical dysplasia type II (FCORD2). Also called: CORTICAL DYSPLASIA OF TAYLOR; Focal cortical dysplasia type II. Identifiers: Orphanet 268994, MedGen C1846385, MONDO:0011818, OMIM 607341, HP:0032051.
Tuberous sclerosis 2 (TSC2). Identifiers: Orphanet 805, MedGen C1860707, MONDO:0013199, OMIM 613254.

Submissions (2):

Ambry Genetics
Classification: Uncertain significance for Hereditary cancer-predisposing syndrome. Last evaluated: 2026-07-16. Review status: criteria provided, single submitter. Criteria: Ambry Variant Classification Scheme 2023. Collection method: clinical testing. Allele origin: germline.
Comment: The c.774+5G>A intronic variant results from a G to A substitution 5 nucleotides after coding exon 7 in the TSC2 gene. This nucleotide position is highly conserved in available vertebrate species. In silico splice site analysis predicts that this alteration will result in the creation or strengthening of a novel splice donor site; however, direct evidence is insufficient at this time (Ambry internal data). Based on the available evidence, the clinical significance of this variant remains unclear.

Fulgent Genetics
Classification: Uncertain significance for Lymphangiomyomatosis; Isolated focal cortical dysplasia type II; Tuberous sclerosis 2. Last evaluated: 2024-06-14. Review status: criteria provided, single submitter. Criteria: ACMG Guidelines, 2015. Collection method: clinical testing. Allele origin: germline.

NM_000548.5(TSC2):c.774+5G>A

Gene: TSC2 (TSC complex subunit 2; plus strand). Cytogenetic location: 16p13.3.
Variant type: single nucleotide variant.
Coding change: c.774+5G>A on transcript NM_000548.5 (MANE Select); 5 bases into the intron after coding-DNA position 774, G replaced by A.
Molecular consequence: intron variant.
Genome position (GRCh38, 1-based): chr16:2,056,774, G>A. VCF-style: chr16-2056774-G-A. GRCh37 (hg19) VCF-style: chr16-2106775-G-A.
Other names: c.774+5G>A (NM_001406665.1, NM_001370404.1, NM_001077183.3 and 7 more transcripts); c.-539+5G>A (NM_001406694.1, NM_001406695.1); c.-658+5G>A (NM_001406696.1, NM_001406693.1, NM_001406689.1 and 4 more transcripts); c.762+5G>A (NM_001406671.1, NM_001406673.1); c.312+5G>A (NM_001406681.1); c.663+5G>A (NM_001406670.1, NM_001318827.2, NM_001406678.1); c.174+5G>A (NM_001406682.1, NM_001406684.1, NM_001406685.1 and 6 more transcripts); c.717+5G>A (NM_001406677.1); and 4 more.
Identifiers: ClinVar variation 3578783 (VCV003578783.3).